The following is an entry in ClinVar:

ClinVar aggregate classification (germline): Pathogenic (1 of 4 stars; one submission).

Allele frequency attached by ClinVar (database versions not stated): gnomAD exomes below 0.00001.

Submission:

Labcorp Genetics (formerly Invitae), Labcorp
Classification: Pathogenic. Last evaluated: 2022-11-01. Review status: criteria provided, single submitter. Criteria: Invitae Variant Classification Sherloc (09022015). Collection method: clinical testing. Allele origin: germline.
Comment: This variant is not present in population databases (gnomAD no frequency). This variant has not been reported in the literature in individuals affected with ZNF469-related conditions. This variant disrupts a region of the ZNF469 protein in which other variant(s) (p.Arg3414Glyfs*59) have been determined to be pathogenic (PMID: 32671420). This suggests that this is a clinically significant region of the protein, and that variants that disrupt it are likely to be disease-causing. For these reasons, this variant has been classified as Pathogenic. This sequence change creates a premature translational stop signal (p.Gly1627Valfs*70) in the ZNF469 gene. While this is not anticipated to result in nonsense mediated decay, it is expected to disrupt the last 2299 amino acid(s) of the ZNF469 protein.

Literature cited by the submitters: PubMed 32671420.

NM_001367624.2(ZNF469):c.4963_4964insT (p.Gly1655fs)

Gene: ZNF469 (zinc finger protein 469; plus strand). Cytogenetic location: 16q24.2.
Variant type: Insertion.
Coding change: c.4963_4964insT on transcript NM_001367624.2 (MANE Select); coding-DNA positions 4963 to 4964, T inserted.
Protein change: p.Gly1655fs; shifts the reading frame from glycine 1655.
Molecular consequence: frameshift variant.
Genome position: GRCh38 VCF-style: chr16-88432433-G-GT. GRCh37 (hg19) VCF-style: chr16-88498841-G-GT.
Other names: short protein forms G1655fs.
Identifiers: ClinVar variation 2059296 (VCV002059296.4), dbSNP rs2507589187, ClinGen allele CA2580092233.